The following is an entry in ClinVar:

ClinVar aggregate classification (germline): Uncertain significance (1 of 4 stars; one submission).

Allele frequency attached by ClinVar (database versions not stated): gnomAD exomes below 0.00001.
gnomAD v4.1: 1 of 1,537,018 alleles (0.000065%); highest among the groups gnomAD compares: South Asian, 0.0013%; no homozygotes.

Submission:

Labcorp Genetics (formerly Invitae), Labcorp
Classification: Uncertain significance. Last evaluated: 2023-10-22. Review status: criteria provided, single submitter. Criteria: Invitae Variant Classification Sherloc (09022015). Collection method: clinical testing. Allele origin: germline.
Comment: This sequence change replaces lysine, which is basic and polar, with asparagine, which is neutral and polar, at codon 1502 of the MAST1 protein (p.Lys1502Asn). This variant is not present in population databases (gnomAD no frequency). This variant has not been reported in the literature in individuals affected with MAST1-related conditions. An algorithm developed to predict the effect of missense changes on protein structure and function (PolyPhen-2) suggests that this variant is likely to be disruptive. In summary, the available evidence is currently insufficient to determine the role of this variant in disease. Therefore, it has been classified as a Variant of Uncertain Significance.

NM_014975.3(MAST1):c.4506G>T (p.Lys1502Asn)

Gene: MAST1 (microtubule associated serine/threonine kinase 1; plus strand). Cytogenetic location: 19p13.13.
Variant type: single nucleotide variant.
Coding change: c.4506G>T on transcript NM_014975.3 (MANE Select); coding-DNA position 4506, G replaced by T.
Protein change: p.Lys1502Asn; replaces lysine 1502 with asparagine.
Molecular consequence: missense variant.
Genome position (GRCh38, 1-based): chr19:12,874,663, G>T. VCF-style: chr19-12874663-G-T. GRCh37 (hg19) VCF-style: chr19-12985477-G-T.
Other names: short protein forms K1502N.
Identifiers: ClinVar variation 2844794 (VCV002844794.3), dbSNP rs2512546097, ClinGen allele CA404292402.